The following is an entry in ClinVar:

ClinVar aggregate classification (germline): Likely pathogenic (0 of 4 stars; one submission).

Conditions:
Pyruvate dehydrogenase E1-alpha deficiency (PDHAD). Also called: ATAXIA, INTERMITTENT, WITH PYRUVATE DEHYDROGENASE DEFICIENCY; ATAXIA WITH LACTIC ACIDOSIS I; ATAXIA, INTERMITTENT, WITH ABNORMAL PYRUVATE METABOLISM; Ataxia, intermittent, with pyruvate dehydrogenase, or decarboxylase, deficiency. Identifiers: Orphanet 79243, MedGen C1839413, MONDO:0010717, OMIM 312170.

Submission:

PDHA1 Study Group, University Children’s Hospital, Paracelsus Medical University
Classification: Likely pathogenic for Pyruvate dehydrogenase E1-alpha deficiency. Last evaluated: 2024-10-15. Review status: no assertion criteria provided. Collection method: research. Allele origin: germline. Affected: yes. Observed: 1 variant allele.
Comment: The NM_000284.3:c.511-414_899+584del (p.?) change is a frameshift variant in PDHA1 gene. The variant has been reported in 1 published case (PMIDs: 16256390). Last literature search: July 12, 2024. This variant is absent or extremely rare in population-based cohorts in the Genome Aggregation Database (gnomAD). Individuals harboring this variant presented with clinical features compatible with PDHA1-related PDHc deficiency. In summary, this variant meets criteria to be classified as likely pathogenic (LP) for PDHA1-related PDHc deficiency based on the ACMG/AMP criteria applied: PVS1, PM2, PM4, BS3 (last assessment October 15, 2024).

Literature cited by the submitters: PubMed 16256390; DOI 10.1093/brain/awaf430.

NM_000284.4(PDHA1):c.511-414_899+584del

Gene: PDHA1 (pyruvate dehydrogenase E1 subunit alpha 1; plus strand). Cytogenetic location: Xp22.12.
Variant type: Deletion.
Coding change: c.511-414_899+584del on transcript NM_000284.4 (MANE Select); 414 bases into the intron before coding-DNA position 511 through 584 bases into the intron after coding-DNA position 899, 4,227 bases deleted.
Molecular consequence: splice acceptor variant, splice donor variant.
Genome position (GRCh38, 1-based): chrX:19,354,077-19,358,303, 4,227 bases deleted. GRCh37 (hg19): chrX:19,372,195-19,376,421.
Other names: c.625-414_1013+584del (NM_001173454.2); c.532-414_920+584del (NM_001173455.2); c.510+904_806+584del (NM_001173456.2).
Identifiers: ClinVar variation 4070333 (VCV004070333.1).